The following is an entry in ClinVar:

ClinVar aggregate classification (germline): Uncertain significance (1 of 4 stars; one submission).

Submission:

Labcorp Genetics (formerly Invitae), Labcorp
Classification: Uncertain significance. Last evaluated: 2025-03-31. Review status: criteria provided, single submitter. Criteria: Invitae Variant Classification Sherloc (09022015). Collection method: clinical testing. Allele origin: germline.
Comment: This sequence change replaces cysteine, which is neutral and slightly polar, with tyrosine, which is neutral and polar, at codon 131 of the FBLN5 protein (p.Cys131Tyr). This variant is not present in population databases (gnomAD no frequency). This variant has not been reported in the literature in individuals affected with FBLN5-related conditions. Invitae Evidence Modeling of protein sequence and biophysical properties (such as structural, functional, and spatial information, amino acid conservation, physicochemical variation, residue mobility, and thermodynamic stability) indicates that this missense variant is expected to disrupt FBLN5 protein function with a positive predictive value of 80%. In summary, the available evidence is currently insufficient to determine the role of this variant in disease. Therefore, it has been classified as a Variant of Uncertain Significance.

NM_006329.4(FBLN5):c.392G>A (p.Cys131Tyr)

Gene: FBLN5 (fibulin 5; minus strand). Cytogenetic location: 14q32.12.
Variant type: single nucleotide variant.
Coding change: c.392G>A on transcript NM_006329.4 (MANE Select); coding-DNA position 392, G replaced by A.
Protein change: p.Cys131Tyr; replaces cysteine 131 with tyrosine.
Molecular consequence: missense variant.
Genome position (GRCh38, 1-based): chr14:91,895,060, C>T on the plus strand (G>A on the coding strand, the complement: FBLN5 is on the minus strand). VCF-style: chr14-91895060-C-T. GRCh37 (hg19) VCF-style: chr14-92361404-C-T.
Other names: c.515G>A, p.Cys172Tyr (NM_001384158.1); c.443G>A, p.Cys148Tyr (NM_001384159.1); c.392G>A, p.Cys131Tyr (NM_001384160.1); c.224G>A, p.Cys75Tyr (NM_001384161.1, NM_001384162.1); short protein forms C172Y, C131Y, C148Y, C75Y.
Identifiers: ClinVar variation 4737586 (VCV004737586.1).